The following is an entry in ClinVar:

ClinVar aggregate classification (germline): Uncertain significance. Review status: criteria provided, multiple submitters, no conflicts (2 of 4 stars). 2 submissions from 2 submitters: Uncertain significance (2). Last evaluated 2022-11-10.

Conditions:
Inborn genetic diseases. Identifiers: MedGen C0950123, MeSH D030342.

Allele frequency attached by ClinVar (database versions not stated): ESP Exome Variant Server 0.00008.
gnomAD v4.1: 6 of 1,614,230 alleles (0.00037%); highest among the groups gnomAD compares: Non-Finnish European, 0.00051%; no homozygotes.

Submissions (2):

Ambry Genetics
Classification: Uncertain significance for Inborn genetic diseases. Last evaluated: 2022-11-10. Review status: criteria provided, single submitter. Criteria: Ambry Variant Classification Scheme 2023. Collection method: clinical testing. Allele origin: germline.

Labcorp Genetics (formerly Invitae), Labcorp
Classification: Uncertain significance. Last evaluated: 2022-03-20. Review status: criteria provided, single submitter. Criteria: Invitae Variant Classification Sherloc (09022015). Collection method: clinical testing. Allele origin: germline.
Comment: In summary, the available evidence is currently insufficient to determine the role of this variant in disease. Therefore, it has been classified as a Variant of Uncertain Significance. This sequence change replaces serine, which is neutral and polar, with threonine, which is neutral and polar, at codon 270 of the TNFRSF11A protein (p.Ser270Thr). This variant is present in population databases (rs376997742, gnomAD 0.002%). This variant has not been reported in the literature in individuals affected with TNFRSF11A-related conditions. Algorithms developed to predict the effect of missense changes on protein structure and function (SIFT, PolyPhen-2, Align-GVGD) all suggest that this variant is likely to be tolerated.

NM_003839.4(TNFRSF11A):c.809G>C (p.Ser270Thr)

Gene: TNFRSF11A (TNF receptor superfamily member 11a; plus strand). Cytogenetic location: 18q21.33.
Variant type: single nucleotide variant.
Coding change: c.809G>C on transcript NM_003839.4 (MANE Select); coding-DNA position 809, G replaced by C.
Protein change: p.Ser270Thr; replaces serine 270 with threonine.
Molecular consequence: missense variant. On other transcripts: intron variant (3).
Genome position (GRCh38, 1-based): chr18:62,368,726, G>C. VCF-style: chr18-62368726-G-C. GRCh37 (hg19) VCF-style: chr18-60035959-G-C.
Other names: c.767G>C, p.Ser256Thr (NM_001278268.2); c.783+1966G>C (NM_001270949.2); c.730+6933G>C (NM_001270950.2); c.616+8677G>C (NM_001270951.2); short protein forms S256T, S270T.
Identifiers: ClinVar variation 2114943 (VCV002114943.5), dbSNP rs376997742, ClinGen allele CA301703897.